The following is an entry in ClinVar:

NM_000318.3(PEX2):c.140G>C (p.Gly47Ala)

Gene: PEX2 (peroxisomal biogenesis factor 2; minus strand). Cytogenetic location: 8q21.13.
Variant type: single nucleotide variant.
Coding change: c.140G>C on transcript NM_000318.3 (MANE Select); coding-DNA position 140, G replaced by C.
Protein change: p.Gly47Ala; replaces glycine 47 with alanine.
Molecular consequence: missense variant.
Genome position (GRCh38, 1-based): chr8:76,984,039, C>G on the plus strand (G>C on the coding strand, the complement: PEX2 is on the minus strand). VCF-style: chr8-76984039-C-G. GRCh37 (hg19) VCF-style: chr8-77896275-C-G.
Other names: c.140G>C, p.Gly47Ala (NM_001079867.2, NM_001172086.2, NM_001172087.2); short protein forms G47A.
Identifiers: ClinVar variation 965038 (VCV000965038.9), dbSNP rs750212948, ClinGen allele CA4788765.

ClinVar aggregate classification (germline): Uncertain significance. Review status: criteria provided, multiple submitters, no conflicts (2 of 4 stars). 5 submissions from 4 submitters: Uncertain significance (4). 1 of the submissions does not count toward it. Last evaluated 2025-11-08.

Conditions:
Zellweger spectrum disorders (ZS). Also called: Zellweger Spectrum Disorder (ZSD); Zellweger syndrome; Zellweger Spectrum Disorder; Zellweger Spectrum. Identifiers: Orphanet 912, MedGen C0043459, MONDO:0019609.
Inborn genetic diseases. Identifiers: MedGen C0950123, MeSH D030342.
Peroxisome biogenesis disorder 5A (Zellweger) (PBD5A). Identifiers: Orphanet 912, MedGen C3553940, MONDO:0013932, OMIM 614866.
Peroxisome biogenesis disorder 5B (PBD5B). Identifiers: Orphanet 44, MedGen C3542026, MONDO:0013933, OMIM 614867.

Allele frequency attached by ClinVar (database versions not stated): TOPMed below 0.00001; gnomAD exomes 0.00003 and 0.00004; ExAC 0.00005.
gnomAD v4.1: 41 of 1,613,316 alleles (0.0025%); highest among the groups gnomAD compares: South Asian, 0.024%; no homozygotes.

Submissions (5):

Ambry Genetics
Classification: Uncertain significance for Inborn genetic diseases. Last evaluated: 2025-11-08. Review status: criteria provided, single submitter. Criteria: Ambry Variant Classification Scheme 2023. Collection method: clinical testing. Allele origin: germline.

Labcorp Genetics (formerly Invitae), Labcorp
Classification: Uncertain significance for Peroxisome biogenesis disorder 5A (Zellweger). Last evaluated: 2022-10-28. Review status: criteria provided, single submitter. Criteria: Invitae Variant Classification Sherloc (09022015). Collection method: clinical testing. Allele origin: germline.
Comment: This sequence change replaces glycine, which is neutral and non-polar, with alanine, which is neutral and non-polar, at codon 47 of the PEX2 protein (p.Gly47Ala). This variant is present in population databases (rs750212948, gnomAD 0.03%). This variant has not been reported in the literature in individuals affected with PEX2-related conditions. ClinVar contains an entry for this variant (Variation ID: 965038). Advanced modeling of protein sequence and biophysical properties (such as structural, functional, and spatial information, amino acid conservation, physicochemical variation, residue mobility, and thermodynamic stability) performed at Invitae indicates that this missense variant is not expected to disrupt PEX2 protein function. In summary, the available evidence is currently insufficient to determine the role of this variant in disease. Therefore, it has been classified as a Variant of Uncertain Significance.

Genome-Nilou Lab
Classification: Uncertain significance for Peroxisome biogenesis disorder 5A (Zellweger). Last evaluated: 2021-07-14. Review status: criteria provided, single submitter. Criteria: ACMG Guidelines, 2015. Collection method: clinical testing. Allele origin: germline. Affected: no.

Genome-Nilou Lab
Classification: Uncertain significance for Peroxisome biogenesis disorder 5B. Last evaluated: 2021-07-14. Review status: criteria provided, single submitter. Criteria: ACMG Guidelines, 2015. Collection method: clinical testing. Allele origin: germline. Affected: no.

Natera, Inc.
Classification: Uncertain significance for Zellweger syndrome. Last evaluated: 2020-04-14. Review status: no assertion criteria provided. Collection method: clinical testing. Allele origin: germline. Not counted in ClinVar's aggregate classification.